The following is an entry in ClinVar:

ClinVar aggregate classification (germline): Likely benign (1 of 4 stars; one submission).

Submission:

CeGaT Center for Human Genetics Tuebingen
Classification: Likely benign. Last evaluated: 2026-08-01. Review status: criteria provided, single submitter. Criteria: CeGaT Center For Human Genetics Tuebingen Variant Classification Criteria Version 2. Collection method: clinical testing. Allele origin: germline. Affected: yes. Observed: 1 variant allele.
Comment: NBPF12: BP4, BP7

Single allele

Gene: NBPF12 (NBPF member 12; plus strand). Cytogenetic location: 1q21.1.
Variant type: single nucleotide variant.
Identifiers: ClinVar variation 5038789 (VCV005038789.1).